The following is an entry in ClinVar:

NC_000023.10:g.(?_37545215)_(37664441_?)del

Genes: CYBB (cytochrome b-245 beta chain; plus strand), XK (X-linked Kx blood group antigen, Kell and VPS13A binding protein; plus strand). Cytogenetic location: Xp21.1-11.4.
Variant type: Deletion.
Identifiers: ClinVar variation 2423023 (VCV002423023.3).

ClinVar aggregate classification (germline): Pathogenic (1 of 4 stars; one submission).

Conditions:
Granulomatous disease, chronic, X-linked. Also called: CYTOCHROME b-NEGATIVE GRANULOMATOUS DISEASE, CHRONIC, X-LINKED; GRANULOMATOUS DISEASE, CHRONIC, X-LINKED, SOMATIC MOSAIC. Identifiers: Orphanet 379, MedGen C1844376, MONDO:0010600, OMIM 306400.

Submission:

Labcorp Genetics (formerly Invitae), Labcorp
Classification: Pathogenic for Granulomatous disease, chronic, X-linked. Last evaluated: 2022-09-13. Review status: criteria provided, single submitter. Criteria: Invitae Variant Classification Sherloc (09022015). Collection method: clinical testing. Allele origin: germline.
Comment: For these reasons, this variant has been classified as Pathogenic. A similar copy number variant has been observed in individual(s) with chronic granulomatous disease (PMID: 8634410, 20729109). This variant is a gross deletion of the genomic region encompassing exon(s) 1-10 of the CYBB gene, which includes the initiator codon. This deletion extends beyond the assayed region for this gene and therefore may encompass additional genes. It is expected to result in an absent or disrupted protein product. Loss-of-function variants in CYBB are known to be pathogenic (PMID: 9585602, 20729109).

Literature cited by the submitters: PubMed 8634410; PubMed 20729109; PubMed 9585602.